The following is an entry in ClinVar:

NM_001378454.1(ALMS1):c.10874T>A (p.Leu3625Ter)

Gene: ALMS1 (ALMS1 centrosome and basal body associated protein; plus strand). Cytogenetic location: 2p13.1.
Variant type: single nucleotide variant.
Coding change: c.10874T>A on transcript NM_001378454.1 (MANE Select); coding-DNA position 10874, T replaced by A.
Protein change: p.Leu3625Ter; replaces leucine 3625 with a stop codon.
Molecular consequence: nonsense.
Genome position (GRCh38, 1-based): chr2:73,572,751, T>A. VCF-style: chr2-73572751-T-A. GRCh37 (hg19) VCF-style: chr2-73799878-T-A.
Other names: c.10877T>A, p.Leu3626Ter (NM_015120.4); short protein forms L3625*, L3626*.
Identifiers: ClinVar variation 1726457 (VCV001726457.2), dbSNP rs2466445042, ClinGen allele CA347285976.
Genomic context (GRCh38, chr2:73,572,751, plus strand): 5'-ATCGGGAGCGACAGAGGCAACAGAGACAGCCTGAGTTGGGTGACAGGAAAGAACTGTCCT[T>A]GGTGGACCGACTTGATCGTTTGGCTAAAATTCTTCAGAATCCAATCACACATTCTCTCCA-3'

ClinVar aggregate classification (germline): Likely pathogenic (1 of 4 stars; one submission).

Conditions:
Alstrom syndrome (ALMS). Identifiers: Orphanet 64, MedGen C0268425, MONDO:0008763, OMIM 203800.

Submission:

Myriad Genetics, Inc.
Classification: Likely pathogenic for Alstrom syndrome. Last evaluated: 2021-12-17. Review status: criteria provided, single submitter. Criteria: Myriad Women's Health Autosomal Recessive and X-Linked Classification Criteria (2021). Collection method: clinical testing. Allele origin: unknown.
Comment: NM_015120.4(ALMS1):c.10877T>A(L3626*) is expected to be pathogenic in the context of Alstrom syndrome. This variant is predicted to lead to an abnormal or absent protein product due to the creation of a premature termination codon in ALMS1, a gene where loss-of-function variants are known to be pathogenic. Please note: this variant was assessed in the context of healthy population screening.